The following is an entry in ClinVar:

ClinVar aggregate classification (germline): Uncertain significance. Review status: criteria provided, multiple submitters, no conflicts (2 of 4 stars). 5 submissions from 5 submitters: Uncertain significance (5). Last evaluated 2025-10-28.

Conditions:
Nonpapillary renal cell carcinoma. Identifiers: Orphanet 422526, MedGen CN074294, MONDO:0007763, OMIM 144700.
Type 1 diabetes mellitus 20 (T1D20). Also called: Diabetes mellitus, insulin-dependent, 20. Identifiers: MedGen C2675866, MONDO:0012919, OMIM 612520.
Type 2 diabetes mellitus. Also called: Type II diabetes mellitus. Identifiers: MedGen C0011860, MeSH D003924, MONDO:0005148, OMIM 125853, HP:0005978.
Hepatic adenomas, familial. Also called: HEPATIC ADENOMA, SOMATIC; LIVER CELL ADENOMAS, FAMILIAL. Identifiers: MedGen C1840646, MONDO:0007718, OMIM 142330.
Diabetes mellitus type 1 (T1D). Also called: Type I diabetes mellitus; Diabetes Mellitus, Juvenile-Onset. Identifiers: MedGen C0011854, MONDO:0005147, OMIM 222100, HP:0100651.
Maturity-onset diabetes of the young type 3. Also called: MODY type 3; MODY, type III. Identifiers: Orphanet 552, MedGen C1838100, MeSH C563933, MONDO:0010894, OMIM 600496. Disease mechanism: loss of function.

Allele frequency attached by ClinVar (database versions not stated): TOPMed 0.00004; gnomAD exomes 0.00005; gnomAD 0.00006 and 0.00007; ExAC 0.00007; 1000 Genomes Project 30x 0.00016; 1000 Genomes Project 0.00020.
gnomAD v4.1: 40 of 1,610,012 alleles (0.0025%); highest among the groups gnomAD compares: East Asian, 0.025%; no homozygotes.

Submissions (5):

Women's Health and Genetics/Laboratory Corporation of America, LabCorp
Classification: Uncertain significance. Last evaluated: 2025-10-28. Review status: criteria provided, single submitter. Criteria: LabCorp Variant Classification Summary - May 2015. Collection method: clinical testing. Allele origin: germline.
Comment: Variant summary: HNF1A c.245C>T (p.Thr82Met) results in a non-conservative amino acid change located in the Hepatocyte nuclear factor 1, N-terminal domain (IPR006899) of the encoded protein sequence. Algorithms developed to predict the effect of missense changes on protein structure and function are either unavailable or do not agree on the potential impact of this missense change. The variant allele was found at a frequency of 4.6e-05 in 237484 control chromosomes. The available data on variant occurrences in the general population are insufficient to allow any conclusion about variant significance. c.245C>T has been reported in individuals diagnosed with diabetes later than 50 years of age (Yang_2006), in an individual diagnosed with type 1 diabetes who had a negative family history for disease (Yu_2019), and in youths diagnosed with diabetes with unknown pedigrees (Pihoker_2013, Liu_2021). . These report(s) do not provide unequivocal conclusions about association of the variant with Maturity Onset Diabetes Of The Young 3. To our knowledge, no experimental evidence demonstrating an impact on protein function has been reported. The following publications have been ascertained in the context of this evaluation (PMID: 16834925, 23771925, 31264968, 32621647). ClinVar contains an entry for this variant (Variation ID: 1120099). Based on the evidence outlined above, the variant was classified as uncertain significance.

Labcorp Genetics (formerly Invitae), Labcorp
Classification: Uncertain significance. Last evaluated: 2024-12-02. Review status: criteria provided, single submitter. Criteria: Invitae Variant Classification Sherloc (09022015). Collection method: clinical testing. Allele origin: germline.
Comment: This sequence change replaces threonine, which is neutral and polar, with methionine, which is neutral and non-polar, at codon 82 of the HNF1A protein (p.Thr82Met). This variant is present in population databases (rs568123980, gnomAD 0.05%). This missense change has been observed in individual(s) with HNF1A-related conditions (PMID: 16834925, 23771925, 31264968). ClinVar contains an entry for this variant (Variation ID: 1120099). Invitae Evidence Modeling of protein sequence and biophysical properties (such as structural, functional, and spatial information, amino acid conservation, physicochemical variation, residue mobility, and thermodynamic stability) indicates that this missense variant is not expected to disrupt HNF1A protein function with a negative predictive value of 80%. In summary, the available evidence is currently insufficient to determine the role of this variant in disease. Therefore, it has been classified as a Variant of Uncertain Significance.

Fulgent Genetics
Classification: Uncertain significance for Type 2 diabetes mellitus; Hepatic adenomas, familial; Nonpapillary renal cell carcinoma; Diabetes mellitus type 1; Maturity-onset diabetes of the young type 3; Type 1 diabetes mellitus 20. Last evaluated: 2024-03-04. Review status: criteria provided, single submitter. Criteria: ACMG Guidelines, 2015. Collection method: clinical testing. Allele origin: germline.

Revvity Omics, Revvity
Classification: Uncertain significance. Last evaluated: 2021-11-18. Review status: criteria provided, single submitter. Criteria: ACMG Guidelines, 2015. Collection method: clinical testing. Allele origin: germline.

Laboratory for Molecular Medicine, Mass General Brigham Personalized Medicine
Classification: Uncertain significance. Last evaluated: 2020-10-26. Review status: criteria provided, single submitter. Criteria: LMM Criteria. Collection method: clinical testing. Allele origin: germline. Observed: 1 variant allele.
Comment: The p.Thr82Met variant in HNF1A has been reported in at least 1 individual with early-onset and/or multiplex diabetes and 1 individual with type I diabetes (Yang 2006 PMID: 16834925, Yu 2019 PMID: 31264968). It has been identified in 0.005% (10/19468) of East Asian chromosomes by gnomAD. Computational prediction tools and conservation analyses suggest that this variant may impact the protein, though this information is not predictive enough to determine pathogenicity. In summary, the clinical significance of this variant is uncertain. ACMG/AMP Criteria applied: PP3.

Literature cited by the submitters: PubMed 16834925 (cited by Women's Health and Genetics/Laboratory Corporation of America, LabCorp and Labcorp Genetics (formerly Invitae), Labcorp); PubMed 23771925 (cited by Women's Health and Genetics/Laboratory Corporation of America, LabCorp and Labcorp Genetics (formerly Invitae), Labcorp); PubMed 31264968 (cited by Women's Health and Genetics/Laboratory Corporation of America, LabCorp and Labcorp Genetics (formerly Invitae), Labcorp); PubMed 32621647 (cited by Women's Health and Genetics/Laboratory Corporation of America, LabCorp).

NM_000545.8(HNF1A):c.245C>T (p.Thr82Met)

Gene: HNF1A (HNF1 homeobox A; plus strand). Cytogenetic location: 12q24.31.
Variant type: single nucleotide variant.
Coding change: c.245C>T on transcript NM_000545.8 (MANE Select); coding-DNA position 245, C replaced by T.
Protein change: p.Thr82Met; replaces threonine 82 with methionine.
Molecular consequence: missense variant.
Genome position (GRCh38, 1-based): chr12:120,979,013, C>T. VCF-style: chr12-120979013-C-T. GRCh37 (hg19) VCF-style: chr12-121416816-C-T.
Other names: c.245C>T, p.Thr82Met (NM_001306179.2); short protein forms T82M.
Identifiers: ClinVar variation 1120099 (VCV001120099.12), dbSNP rs568123980, ClinGen allele CA6831696.